The following is an entry in ClinVar:

NM_021120.4(DLG3):c.1956T>A (p.Phe652Leu)

Gene: DLG3 (discs large MAGUK scaffold protein 3; plus strand). Cytogenetic location: Xq13.1.
Variant type: single nucleotide variant.
Coding change: c.1956T>A on transcript NM_021120.4 (MANE Select); coding-DNA position 1956, T replaced by A.
Protein change: p.Phe652Leu; replaces phenylalanine 652 with leucine.
Molecular consequence: missense variant.
Genome position (GRCh38, 1-based): chrX:70,499,261, T>A. VCF-style: chrX-70499261-T-A. GRCh37 (hg19) VCF-style: chrX-69719111-T-A.
Other names: c.603T>A, p.Phe201Leu (NM_001166278.2); c.1041T>A, p.Phe347Leu (NM_020730.3); short protein forms F201L, F347L, F652L.
Identifiers: ClinVar variation 3365168 (VCV003365168.1).

ClinVar aggregate classification (germline): Uncertain significance (1 of 4 stars; one submission).

Submission:

GeneDx
Classification: Uncertain significance. Last evaluated: 2023-12-04. Review status: criteria provided, single submitter. Criteria: GeneDx Variant Classification Process June 2021. Collection method: clinical testing. Allele origin: germline. Affected: yes.
Comment: Not observed at significant frequency in large population cohorts (gnomAD); In silico analysis supports that this missense variant has a deleterious effect on protein structure/function; Has not been previously published as pathogenic or benign to our knowledge